The following is an entry in ClinVar:

NM_001292063.2(OTOG):c.6828C>T (p.Thr2276=)

Gene: OTOG (otogelin; plus strand). Cytogenetic location: 11p15.1.
Variant type: single nucleotide variant.
Coding change: c.6828C>T on transcript NM_001292063.2 (MANE Select); coding-DNA position 6828, C replaced by T.
Protein change: p.Thr2276=; no amino-acid change (threonine 2276 retained).
Molecular consequence: synonymous variant.
Genome position (GRCh38, 1-based): chr11:17,631,817, C>T. VCF-style: chr11-17631817-C-T. GRCh37 (hg19) VCF-style: chr11-17653364-C-T.
Other names: c.6864C>T, p.Thr2288= (NM_001277269.2); c.6864C>T (NM_001277269.1).
Identifiers: ClinVar variation 2072172 (VCV002072172.6), dbSNP rs536891314, ClinGen allele CA5906066.

ClinVar aggregate classification (germline): Likely benign. Review status: criteria provided, single submitter (1 of 4 stars). 2 submissions from 2 submitters: Likely benign (1). 1 of the submissions does not count toward it. Last evaluated 2025-12-17.

Conditions:
OTOG-related disorder. Also called: OTOG-related condition.

Allele frequency attached by ClinVar (database versions not stated): gnomAD exomes 0.00005; ExAC 0.00031; gnomAD 0.00043; TOPMed 0.00054; 1000 Genomes Project 30x 0.00062; 1000 Genomes Project 0.00080.
gnomAD v4.1: 140 of 1,550,608 alleles (0.009%); highest among the groups gnomAD compares: African/African-American, 0.17%; no homozygotes.

Submissions (2):

Labcorp Genetics (formerly Invitae), Labcorp
Classification: Likely benign. Last evaluated: 2025-12-17. Review status: criteria provided, single submitter. Criteria: Invitae Variant Classification Sherloc (09022015). Collection method: clinical testing. Allele origin: germline.

PreventionGenetics, part of Exact Sciences
Classification: Likely benign for OTOG-related condition. Last evaluated: 2019-04-04. Review status: no assertion criteria provided. Collection method: clinical testing. Allele origin: germline. Not counted in ClinVar's aggregate classification.
Comment: This variant is classified as likely benign based on ACMG/AMP sequence variant interpretation guidelines (Richards et al. 2015 PMID: 25741868, with internal and published modifications).